The following is an entry in ClinVar:

NM_031220.4(PITPNM3):c.*34G>T

Genes: PITPNM3 (PITPNM family member 3; minus strand), LOC130060086 (ATAC-STARR-seq lymphoblastoid silent region 8076; plus strand). Cytogenetic location: 17p13.2.
Variant type: single nucleotide variant.
Coding change: c.*34G>T on transcript NM_031220.4 (MANE Select); 34 bases downstream of the stop codon, G replaced by T.
Molecular consequence: 3 prime UTR variant.
Genome position (GRCh38, 1-based): chr17:6,455,304, C>A on the plus strand (G>T on the coding strand, the complement: PITPNM3 is on the minus strand). VCF-style: chr17-6455304-C-A. GRCh37 (hg19) VCF-style: chr17-6358624-C-A.
Other names: c.*34G>T (NM_001165966.2).
Identifiers: ClinVar variation 324741 (VCV000324741.5), dbSNP rs189434615, ClinGen allele CA8328980.

ClinVar aggregate classification (germline): Benign (1 of 4 stars; one submission).

Conditions:
Cone-rod dystrophy 5 (CORD5). Identifiers: Orphanet 1872, MedGen C1832976, MONDO:0010969, OMIM 600977.

Allele frequency attached by ClinVar (database versions not stated): 1000 Genomes Project 0.00020; 1000 Genomes Project 30x 0.00047; gnomAD 0.00140; ESP Exome Variant Server 0.00143; TOPMed 0.00154; ExAC 0.00193.
gnomAD v4.1: 3,086 of 1,531,324 alleles (0.2%); highest among the groups gnomAD compares: Non-Finnish European, 0.24%; 9 homozygotes.

Submission:

Illumina Laboratory Services, Illumina
Classification: Benign for Cone-rod dystrophy 5. Last evaluated: 2018-01-13. Review status: criteria provided, single submitter. Criteria: ICSL Variant Classification Criteria 13 December 2019. Collection method: clinical testing. Allele origin: germline.
Comment: This variant was observed in the ICSL laboratory as part of a predisposition screen in an ostensibly healthy population. It had not been previously curated by ICSL or reported in the Human Gene Mutation Database (HGMD: prior to June 1st, 2018), and was therefore a candidate for classification through an automated scoring system. Utilizing variant allele frequency, disease prevalence and penetrance estimates, and inheritance mode, an automated score was calculated to assess if this variant is too frequent to cause the disease. Based on the score and internal cut-off values, a variant classified as benign is not then subjected to further curation. The score for this variant resulted in a classification of benign for this disease.